The following is an entry in ClinVar:

NM_021076.4(NEFH):c.2369AGG[2] (p.Glu792del)

Gene: NEFH (neurofilament heavy chain; plus strand). Cytogenetic location: 22q12.2.
Variant type: Microsatellite.
Coding change: c.2369AGG[2] on transcript NM_021076.4 (MANE Select); two copies in a row of the 3-base unit AGG starting at c.2369; the reference has three copies in a row; one copy, 3 bases deleted; also written c.2375_2377del.
Protein change: p.Glu792del; deletes glutamic acid 792.
Molecular consequence: inframe deletion.
Genome position (GRCh38, 1-based): chr22:29,490,015-29,490,017, AGG deleted; deleting any 3 consecutive bases within chr22:29,490,009-29,490,017 gives the same sequence; the position shown is the placement nearest the transcript's 3' end. VCF-style (leftmost placement, unchanged base first): chr22-29490008-AAGG-A. GRCh37 (hg19) VCF-style: chr22-29885997-AAGG-A.
Other names: c.2375_2377delAGG (NM_021076.3, NM_021076.4); c.2375_2377del (NM_021076.4); short protein forms E792del.
Identifiers: ClinVar variation 2434325 (VCV002434325.5), dbSNP rs1569198032, ClinGen allele CA411137148.

ClinVar aggregate classification (germline): Uncertain significance. Review status: criteria provided, multiple submitters, no conflicts (2 of 4 stars). 3 submissions from 3 submitters: Uncertain significance (3). Last evaluated 2026-07-06.

Conditions:
NEFH-related disorder. Also called: NEFH-related condition.
Charcot-Marie-Tooth disease axonal type 2CC. Also called: CHARCOT-MARIE-TOOTH NEUROPATHY, TYPE 2CC. Identifiers: MedGen C4310790, MONDO:0014836, OMIM 616924.

Submissions (3):

PreventionGenetics, part of Exact Sciences
Classification: Uncertain significance for NEFH-related condition. Last evaluated: 2026-07-06. Review status: criteria provided, single submitter. Criteria: ACMG Guidelines, 2015. Collection method: clinical testing. Allele origin: germline.
Comment: The NEFH c.2375_2377delAGG variant is predicted to result in an in-frame deletion (p.Glu792del). To our knowledge, this variant has not been reported in the literature. This variant is reported in 0.0033% of alleles in individuals of South Asian descent in gnomAD. At this time, the clinical significance of this variant is uncertain due to the absence of conclusive functional and genetic evidence.

Women's Health and Genetics/Laboratory Corporation of America, LabCorp
Classification: Uncertain significance. Last evaluated: 2026-01-20. Review status: criteria provided, single submitter. Criteria: LabCorp Variant Classification Summary - May 2015. Collection method: clinical testing. Allele origin: germline.
Comment: Variant summary: NEFH c.2375_2377delAGG (p.Glu792del) results in an in-frame deletion that is predicted to remove 1 amino acid from the encoded protein. The variant allele was found at a frequency of 8e-06 in 251100 control chromosomes. The available data on variant occurrences in the general population are insufficient to allow any conclusion about variant significance. To our knowledge, no occurrence of c.2375_2377delAGG in individuals affected with NEFH-related conditions and no experimental evidence demonstrating its impact on protein function have been reported. ClinVar contains an entry for this variant (Variation ID: 2434325). Based on the evidence outlined above, the variant was classified as uncertain significance.

Revvity Omics, Revvity
Classification: Uncertain significance for Charcot-Marie-Tooth disease axonal type 2CC. Last evaluated: 2022-06-30. Review status: criteria provided, single submitter. Criteria: ACMG Guidelines, 2015. Collection method: clinical testing. Allele origin: germline.